The following is an entry in ClinVar:

NM_001042492.3(NF1):c.7062+1_7062+5del

Gene: NF1 (neurofibromin 1; plus strand). Cytogenetic location: 17q11.2.
Variant type: Deletion.
Coding change: c.7062+1_7062+5del on transcript NM_001042492.3 (MANE Select); the canonical splice donor site of the intron after coding-DNA position 7062 through 5 bases into the intron after coding-DNA position 7062, 5 bases deleted (GTAAG; older notation c.7062+1_7062+5delGTAAG).
Molecular consequence: splice donor variant.
Genome position (GRCh38, 1-based): chr17:31,340,646-31,340,650, GTAAG deleted; deleting any 5 consecutive bases within chr17:31,340,643-31,340,650 gives the same sequence; the c. name uses the placement nearest the transcript's 3' end. VCF-style (leftmost placement, unchanged base first): chr17-31340642-CAAGGT-C. GRCh37 (hg19) VCF-style: chr17-29667660-CAAGGT-C.
Other names: c.6999+1_6999+5del (NM_000267.4); c.6999+1_6999+5delGTAAG (NM_000267.3).
Identifiers: ClinVar variation 572463 (VCV000572463.7), dbSNP rs1567619134, ClinGen allele CA891844409.
Genomic context (GRCh38, chr17:31,340,642, plus strand): 5'-AGGTACCGCACTTCTTGAACAAAACCTGCATACTTTAGATAGTCTCCGTATATTCAATGA[CAAGGT>C]AAGCAAACTTTGCCTTGAGGTTCCTAGATTACTCAAATTTAGTACTCTTCCATCTTTTCT-3'

ClinVar aggregate classification (germline): Pathogenic/Likely pathogenic. Review status: criteria provided, multiple submitters, no conflicts (2 of 4 stars). 2 submissions from 2 submitters: Pathogenic (1); Likely pathogenic (1). Last evaluated 2023-12-12.

Conditions:
Neurofibromatosis, type 1 (NF1). Also called: Peripheral type neurofibromatosis; VON RECKLINGHAUSEN DISEASE; Neurofibromatosis, type I; NEUROFIBROMATOSIS, TYPE I, SOMATIC. Identifiers: Orphanet 636, MedGen C0027831, MONDO:0018975, OMIM 162200. Disease mechanism: loss of function.
Cardiovascular phenotype. Identifiers: MedGen CN230736.
Hereditary cancer-predisposing syndrome. Also called: Hereditary neoplastic syndrome; Neoplastic Syndromes, Hereditary; Hereditary Cancer Syndrome; Tumor predisposition. Identifiers: Orphanet 140162, MedGen C0027672, MeSH D009386, MONDO:0015356.

Submissions (2):

Labcorp Genetics (formerly Invitae), Labcorp
Classification: Pathogenic for Neurofibromatosis, type 1. Last evaluated: 2023-12-12. Review status: criteria provided, single submitter. Criteria: Invitae Variant Classification Sherloc (09022015). Collection method: clinical testing. Allele origin: germline.
Comment: This sequence change affects a splice site in intron 46 of the NF1 gene. It is expected to disrupt RNA splicing. Variants that disrupt the donor or acceptor splice site typically lead to a loss of protein function (PMID: 16199547), and loss-of-function variants in NF1 are known to be pathogenic (PMID: 10712197, 23913538). This variant is not present in population databases (gnomAD no frequency). Disruption of this splice site has been observed in individuals with clinical features of NF1-related conditions (Invitae). ClinVar contains an entry for this variant (Variation ID: 572463). Algorithms developed to predict the effect of sequence changes on RNA splicing suggest that this variant may disrupt the consensus splice site. For these reasons, this variant has been classified as Pathogenic.

Ambry Genetics
Classification: Likely pathogenic for Cardiovascular phenotype; Hereditary cancer-predisposing syndrome. Last evaluated: 2023-05-18. Review status: criteria provided, single submitter. Criteria: Ambry Variant Classification Scheme 2023. Collection method: clinical testing. Allele origin: germline.
Comment: The c.6999+1_6999+5delGTAAG intronic variant begins with 1 nucleotide after coding exon 46 in the NF1 gene. This variant results from a deletion of 5 nucleotides at positions c.6999+1 to c.6999+5. In silico splice site analysis predicts that this alteration will weaken the native splice donor site; however, direct evidence is insufficient at this time (Ambry internal data). This variant is considered to be rare based on population cohorts in the Genome Aggregation Database (gnomAD). Based on the majority of available evidence to date, this variant is likely to be pathogenic.

Literature cited by the submitters: PubMed 16199547 (cited by Labcorp Genetics (formerly Invitae), Labcorp); PubMed 10712197 (cited by Labcorp Genetics (formerly Invitae), Labcorp); PubMed 23913538 (cited by Labcorp Genetics (formerly Invitae), Labcorp).